The following is an entry in ClinVar:

NM_006073.4(TRDN):c.1597+10G>A

Gene: TRDN (triadin; minus strand). Cytogenetic location: 6q22.31.
Variant type: single nucleotide variant.
Coding change: c.1597+10G>A on transcript NM_006073.4 (MANE Select); 10 bases into the intron after coding-DNA position 1597, G replaced by A.
Molecular consequence: intron variant.
Genome position (GRCh38, 1-based): chr6:123,274,631, C>T on the plus strand (G>A on the coding strand, the complement: TRDN is on the minus strand). VCF-style: chr6-123274631-C-T. GRCh37 (hg19) VCF-style: chr6-123595776-C-T.
Identifiers: ClinVar variation 228026 (VCV000228026.14), dbSNP rs150165710, ClinGen allele CA3983847.

ClinVar aggregate classification (germline): Likely benign. Review status: criteria provided, multiple submitters, no conflicts (2 of 4 stars). 2 submissions from 2 submitters: Likely benign (2). Last evaluated 2024-05-10.

Conditions:
Catecholaminergic polymorphic ventricular tachycardia 1. Also called: VENTRICULAR TACHYCARDIA, STRESS-INDUCED POLYMORPHIC 1; VENTRICULAR TACHYCARDIA, CATECHOLAMINERGIC POLYMORPHIC, 1, WITH OR WITHOUT ATRIAL DYSFUNCTION AND/OR DILATED CARDIOMYOPATHY; RYR2-Related Catecholaminergic Polymorphic Ventricular Tachycardia. Identifiers: Orphanet 3286, MedGen C1631597, MONDO:0011484, OMIM 604772.

gnomAD v4.1: 6 of 1,605,314 alleles (0.00037%); highest among the groups gnomAD compares: Non-Finnish European, 0.00051%; no homozygotes.

Submissions (2):

Labcorp Genetics (formerly Invitae), Labcorp
Classification: Likely benign for Catecholaminergic polymorphic ventricular tachycardia 1. Last evaluated: 2024-05-10. Review status: criteria provided, single submitter. Criteria: Invitae Variant Classification Sherloc (09022015). Collection method: clinical testing. Allele origin: germline.

Laboratory for Molecular Medicine, Mass General Brigham Personalized Medicine
Classification: Likely benign. Last evaluated: 2015-07-07. Review status: criteria provided, single submitter. Criteria: LMM Criteria. Collection method: clinical testing. Allele origin: germline. Observed: 1 variant allele.
Comment: c.1597+10G>A in intron 27 of TRDN: This variant is not expected to have clinical significance because it is not located within the splice consensus sequence. It has been identified in 2/59848 European chromosomes by the Exome Aggregation Co nsortium (ExAC; dbSNP rs150165710).